The following is an entry in ClinVar:

NM_000071.3(CBS):c.316+130G>A

Gene: CBS (cystathionine beta-synthase; minus strand). Cytogenetic location: 21q22.3.
Variant type: single nucleotide variant.
Coding change: c.316+130G>A on transcript NM_000071.3 (MANE Select); 130 bases into the intron after coding-DNA position 316, G replaced by A.
Molecular consequence: intron variant. On other transcripts: 5 prime UTR variant (1).
Genome position (GRCh38, 1-based): chr21:43,068,379, C>T on the plus strand (G>A on the coding strand, the complement: CBS is on the minus strand). VCF-style: chr21-43068379-C-T. GRCh37 (hg19) VCF-style: chr21-44488489-C-T.
Other names: c.-601G>A (NM_001321072.1); c.316+130G>A (NM_001320298.2, NM_001178009.3, NM_001178008.3).
Identifiers: ClinVar variation 675794 (VCV000675794.2), dbSNP rs73372393, ClinGen allele CA321100158.

ClinVar aggregate classification (germline): Benign. Review status: criteria provided, multiple submitters, no conflicts (2 of 4 stars). 2 submissions from 2 submitters: Benign (2). Last evaluated 2021-08-23.

Conditions:
Classic homocystinuria. Also called: Homocystinuria due to Cystathionine Beta-Synthase Deficiency; Homocystinuria due to CBS deficiency; Cystathionine beta-synthase deficiency; CBS deficiency; HOMOCYSTINURIA WITH OR WITHOUT RESPONSE TO PYRIDOXINE. Identifiers: Orphanet 394, MedGen C0751202, MONDO:0009352, OMIM 236200.

Allele frequency attached by ClinVar (database versions not stated): gnomAD exomes 0.00239; gnomAD 0.01898 and 0.02025; 1000 Genomes Project 0.02097; TOPMed 0.02156; 1000 Genomes Project 30x 0.02358.
gnomAD v4.1: 2,176 of 252,222 alleles (0.86%); highest among the groups gnomAD compares: African/African-American, 7%; 143 homozygotes.

Submissions (2):

Fulgent Genetics
Classification: Benign for Classic homocystinuria. Last evaluated: 2021-08-23. Review status: criteria provided, single submitter. Criteria: ACMG Guidelines, 2015. Collection method: clinical testing. Allele origin: unknown.

GeneDx
Classification: Benign. Last evaluated: 2018-06-14. Review status: criteria provided, single submitter. Criteria: GeneDx Variant Classification (06012015). Collection method: clinical testing. Allele origin: germline. Affected: yes.
Comment: This variant is considered likely benign or benign based on one or more of the following criteria: it is a conservative change, it occurs at a poorly conserved position in the protein, it is predicted to be benign by multiple in silico algorithms, and/or has population frequency not consistent with disease.